The following is an entry in ClinVar:

NM_000038.6(APC):c.4843T>C (p.Tyr1615His)

Gene: APC (APC regulator of Wnt signaling pathway; plus strand). Cytogenetic location: 5q22.2.
Variant type: single nucleotide variant.
Coding change: c.4843T>C on transcript NM_000038.6 (MANE Select); coding-DNA position 4843, T replaced by C.
Protein change: p.Tyr1615His; replaces tyrosine 1615 with histidine.
Molecular consequence: missense variant.
Genome position (GRCh38, 1-based): chr5:112,840,437, T>C. VCF-style: chr5-112840437-T-C. GRCh37 (hg19) VCF-style: chr5-112176134-T-C.
Other names: c.4843T>C, p.Tyr1615His (NM_001127510.3, NM_001354895.2); c.4789T>C, p.Tyr1597His (NM_001127511.3); c.4897T>C, p.Tyr1633His (NM_001354896.2); c.4873T>C, p.Tyr1625His (NM_001354897.2); c.4768T>C, p.Tyr1590His (NM_001354898.2); c.4759T>C, p.Tyr1587His (NM_001354899.2); c.4720T>C, p.Tyr1574His (NM_001354900.2); c.4666T>C, p.Tyr1556His (NM_001354901.2); and 5 more; short protein forms Y1574H, Y1597H, Y1615H, Y1514H, Y1556H, Y1590H, Y1625H, Y1332H.
Identifiers: ClinVar variation 825224 (VCV000825224.7), dbSNP rs1580653290, ClinGen allele CA16031941.

ClinVar aggregate classification (germline): Uncertain significance. Review status: criteria provided, multiple submitters, no conflicts (2 of 4 stars). 2 submissions from 2 submitters: Uncertain significance (2). Last evaluated 2025-09-16.

Conditions:
Hereditary cancer-predisposing syndrome. Also called: Neoplastic Syndromes, Hereditary; Tumor predisposition; Hereditary neoplastic syndrome; Hereditary Cancer Syndrome. Identifiers: Orphanet 140162, MedGen C0027672, MeSH D009386, MONDO:0015356.

Allele frequency attached by ClinVar (database versions not stated): TOPMed 0.00001.

Submissions (2):

Ambry Genetics
Classification: Uncertain significance for Hereditary cancer-predisposing syndrome. Last evaluated: 2025-09-16. Review status: criteria provided, single submitter. Criteria: Ambry Variant Classification Scheme 2023. Collection method: clinical testing. Allele origin: germline.
Comment: The p.Y1615H variant (also known as c.4843T>C), located in coding exon 15 of the APC gene, results from a T to C substitution at nucleotide position 4843. The tyrosine at codon 1615 is replaced by histidine, an amino acid with similar properties. This amino acid position is highly conserved in available vertebrate species. In addition, in silico predictors for this gene do not accurately predict pathogenicity. Since supporting evidence is limited at this time, the clinical significance of this alteration remains unclear.

GeneDx
Classification: Uncertain significance. Last evaluated: 2022-11-22. Review status: criteria provided, single submitter. Criteria: GeneDx Variant Classification Process June 2021. Collection method: clinical testing. Allele origin: germline. Affected: yes.
Comment: Not observed at significant frequency in large population cohorts (gnomAD); In silico analysis supports that this missense variant has a deleterious effect on protein structure/function; Has not been previously published as pathogenic or benign to our knowledge; This variant is associated with the following publications: (PMID: 18199528)